The following is an entry in ClinVar:

ClinVar aggregate classification (germline): Likely benign (1 of 4 stars; one submission).

Allele frequency attached by ClinVar (database versions not stated): gnomAD exomes 0.00001; ExAC 0.00002.
gnomAD v4.1: 12 of 1,613,976 alleles (0.00074%); highest among the groups gnomAD compares: Admixed American, 0.005%; no homozygotes.

Submission:

CeGaT Center for Human Genetics Tuebingen
Classification: Likely benign. Last evaluated: 2023-11-01. Review status: criteria provided, single submitter. Criteria: CeGaT Center For Human Genetics Tuebingen Variant Classification Criteria Version 2. Collection method: clinical testing. Allele origin: germline. Affected: yes. Observed: 1 variant allele.
Comment: CAMTA1: BP4, BP7

NM_015215.4(CAMTA1):c.516C>T (p.Pro172=)

Gene: CAMTA1 (calmodulin binding transcription activator 1; plus strand). Cytogenetic location: 1p36.23.
Variant type: single nucleotide variant.
Coding change: c.516C>T on transcript NM_015215.4 (MANE Select); coding-DNA position 516, C replaced by T.
Protein change: p.Pro172=; no amino-acid change (proline 172 retained).
Molecular consequence: synonymous variant.
Genome position (GRCh38, 1-based): chr1:7,640,405, C>T. VCF-style: chr1-7640405-C-T. GRCh37 (hg19) VCF-style: chr1-7700465-C-T.
Other names: c.426C>T, p.Pro142= (NM_001349608.2, NM_001349612.2); c.516C>T, p.Pro172= (NM_001349609.2, NM_001349610.2, NM_001410737.1); c.444C>T, p.Pro148= (NM_001410738.1).
Identifiers: ClinVar variation 2672320 (VCV002672320.23), dbSNP rs775725704, ClinGen allele CA566191.